The following is an entry in ClinVar:

ClinVar aggregate classification (germline): Uncertain significance (1 of 4 stars; one submission).

Submission:

Labcorp Genetics (formerly Invitae), Labcorp
Classification: Uncertain significance. Last evaluated: 2024-11-16. Review status: criteria provided, single submitter. Criteria: Invitae Variant Classification Sherloc (09022015). Collection method: clinical testing. Allele origin: germline.
Comment: This sequence change replaces serine, which is neutral and polar, with glycine, which is neutral and non-polar, at codon 552 of the TNFRSF11A protein (p.Ser552Gly). This variant is not present in population databases (gnomAD no frequency). This variant has not been reported in the literature in individuals affected with TNFRSF11A-related conditions. An algorithm developed to predict the effect of missense changes on protein structure and function (PolyPhen-2) suggests that this variant is likely to be disruptive. In summary, the available evidence is currently insufficient to determine the role of this variant in disease. Therefore, it has been classified as a Variant of Uncertain Significance.

NM_003839.4(TNFRSF11A):c.1654A>G (p.Ser552Gly)

Gene: TNFRSF11A (TNF receptor superfamily member 11a; plus strand). Cytogenetic location: 18q21.33.
Variant type: single nucleotide variant.
Coding change: c.1654A>G on transcript NM_003839.4 (MANE Select); coding-DNA position 1654, A replaced by G.
Protein change: p.Ser552Gly; replaces serine 552 with glycine.
Molecular consequence: missense variant. On other transcripts: 3 prime UTR variant (1).
Genome position (GRCh38, 1-based): chr18:62,384,837, A>G. VCF-style: chr18-62384837-A-G. GRCh37 (hg19) VCF-style: chr18-60052070-A-G.
Other names: c.*78A>G (NM_001270949.2); c.817A>G, p.Ser273Gly (NM_001270950.2); c.703A>G, p.Ser235Gly (NM_001270951.2); c.1612A>G, p.Ser538Gly (NM_001278268.2); short protein forms S235G, S538G, S552G, S273G.
Identifiers: ClinVar variation 3725429 (VCV003725429.2).